The following is an entry in ClinVar:

ClinVar aggregate classification (germline): Uncertain significance (1 of 4 stars; one submission).

Conditions:
Neurofibromatosis, type 2 (SWNV). Also called: BILATERAL ACOUSTIC NEUROFIBROMATOSIS; NF2-Related Schwannomatosis; SCHWANNOMATOSIS, VESTIBULAR. Identifiers: Orphanet 637, MedGen C0027832, MONDO:0007039, OMIM 101000. Disease mechanism: loss of function.

Submission:

Labcorp Genetics (formerly Invitae), Labcorp
Classification: Uncertain significance for Neurofibromatosis, type 2. Last evaluated: 2023-08-09. Review status: criteria provided, single submitter. Criteria: Invitae Variant Classification Sherloc (09022015). Collection method: clinical testing. Allele origin: germline.
Comment: This sequence change replaces alanine, which is neutral and non-polar, with threonine, which is neutral and polar, at codon 451 of the NF2 protein (p.Ala451Thr). This variant is not present in population databases (gnomAD no frequency). This variant has not been reported in the literature in individuals affected with NF2-related conditions. Advanced modeling of protein sequence and biophysical properties (such as structural, functional, and spatial information, amino acid conservation, physicochemical variation, residue mobility, and thermodynamic stability) performed at Invitae indicates that this missense variant is not expected to disrupt NF2 protein function. In summary, the available evidence is currently insufficient to determine the role of this variant in disease. Therefore, it has been classified as a Variant of Uncertain Significance.

NM_000268.4(NF2):c.1351G>A (p.Ala451Thr)

Gene: NF2 (NF2, moesin-ezrin-radixin like (MERLIN) tumor suppressor; plus strand). Cytogenetic location: 22q12.2.
Variant type: single nucleotide variant.
Coding change: c.1351G>A on transcript NM_000268.4 (MANE Select); coding-DNA position 1351, G replaced by A.
Protein change: p.Ala451Thr; replaces alanine 451 with threonine.
Molecular consequence: missense variant. On other transcripts: non-coding transcript variant (1), intron variant (1).
Genome position (GRCh38, 1-based): chr22:29,674,846, G>A. VCF-style: chr22-29674846-G-A. GRCh37 (hg19) VCF-style: chr22-30070835-G-A.
Other names: c.1237G>A, p.Ala413Thr (NM_001407053.1, NM_001407056.1); c.1228G>A, p.Ala410Thr (NM_001407054.1, NM_001407058.1, NM_181829.3); c.1225G>A, p.Ala409Thr (NM_001407055.1, NM_181828.3); c.1216G>A, p.Ala406Thr (NM_001407057.1, NM_001407059.1); c.1351G>A, p.Ala451Thr (NM_001407060.1, NM_001407066.1, NM_016418.5 and 2 more transcripts); c.1093G>A, p.Ala365Thr (NM_001407062.1); c.1102G>A, p.Ala368Thr (NM_001407063.1, NM_001407064.1, NM_181830.3 and 1 more transcripts); c.817G>A, p.Ala273Thr (NM_001407065.1); and 2 more; short protein forms A374T, A368T, A451T, A365T, A406T, A410T, A273T, A409T.
Identifiers: ClinVar variation 2794125 (VCV002794125.3), dbSNP rs2147092069, ClinGen allele CA411148833.